The following is an entry in ClinVar:

NM_001205293.3(CACNA1E):c.1132C>A (p.Arg378Ser)

Gene: CACNA1E (calcium voltage-gated channel subunit alpha1 E; plus strand). Cytogenetic location: 1q25.3.
Variant type: single nucleotide variant.
Coding change: c.1132C>A on transcript NM_001205293.3 (MANE Select); coding-DNA position 1132, C replaced by A.
Protein change: p.Arg378Ser; replaces arginine 378 with serine.
Molecular consequence: missense variant.
Genome position (GRCh38, 1-based): chr1:181,711,030, C>A. VCF-style: chr1-181711030-C-A. GRCh37 (hg19) VCF-style: chr1-181680166-C-A.
Other names: c.1132C>A, p.Arg378Ser (NM_000721.4, NM_001205294.2); short protein forms R378S.
Identifiers: ClinVar variation 5020234 (VCV005020234.1).

ClinVar aggregate classification (germline): Uncertain significance (1 of 4 stars; one submission).

Submission:

Dasa
Classification: Uncertain significance. Last evaluated: 2026-08-10. Review status: criteria provided, single submitter. Criteria: DASA Assertion Criteria. Collection method: clinical testing. Allele origin: germline.
Comment: NM_001205293.3(CACNA1E):c.1132C>A (p.Arg378Ser) is a missense variant that results in the substitution of arginine with serine. This variant is rare in population databases. The currently available literature and clinical evidence are not sufficient to establish a definitive association between this variant and the reported condition. Therefore, this variant is classified as a variant of uncertain significance.